The following is an entry in ClinVar:

NM_000016.6(ACADM):c.484G>T (p.Glu162Ter)

Gene: ACADM (acyl-CoA dehydrogenase medium chain; plus strand). Cytogenetic location: 1p31.1.
Variant type: single nucleotide variant.
Coding change: c.484G>T on transcript NM_000016.6 (MANE Select); coding-DNA position 484, G replaced by T.
Protein change: p.Glu162Ter; replaces glutamic acid 162 with a stop codon.
Molecular consequence: nonsense. On other transcripts: 5 prime UTR variant (1).
Genome position (GRCh38, 1-based): chr1:75,739,995, G>T. VCF-style: chr1-75739995-G-T. GRCh37 (hg19) VCF-style: chr1-76205680-G-T.
Other names: c.496G>T, p.Glu166Ter (NM_001127328.3); c.376G>T, p.Glu126Ter (NM_001286042.2); c.583G>T, p.Glu195Ter (NM_001286043.2); c.-84G>T (NM_001286044.2); short protein forms E126*, E195*, E166*, E162*.
Identifiers: ClinVar variation 3729777 (VCV003729777.2).

ClinVar aggregate classification (germline): Pathogenic (1 of 4 stars; one submission).

Conditions:
Medium-chain acyl-coenzyme A dehydrogenase deficiency (ACADMD). Also called: MCADH DEFICIENCY; MCAD Deficiency; MCADD; ACADM DEFICIENCY; CARNITINE DEFICIENCY SECONDARY TO MEDIUM-CHAIN ACYL-CoA DEHYDROGENASE DEFICIENCY; Medium chain acyl-CoA dehydrogenase deficiency. Identifiers: Orphanet 42, MedGen C0220710, MONDO:0008721, OMIM 201450.

Submission:

Labcorp Genetics (formerly Invitae), Labcorp
Classification: Pathogenic for Medium-chain acyl-coenzyme A dehydrogenase deficiency. Last evaluated: 2025-01-29. Review status: criteria provided, single submitter. Criteria: Invitae Variant Classification Sherloc (09022015). Collection method: clinical testing. Allele origin: germline.
Comment: This sequence change creates a premature translational stop signal (p.Glu162*) in the ACADM gene. It is expected to result in an absent or disrupted protein product. Loss-of-function variants in ACADM are known to be pathogenic (PMID: 16121256, 20434380). This variant is not present in population databases (gnomAD no frequency). This variant has not been reported in the literature in individuals affected with ACADM-related conditions. For these reasons, this variant has been classified as Pathogenic.

Literature cited by the submitters: PubMed 16121256; PubMed 20434380.